The following is an entry in ClinVar:

NM_020778.5(ALPK3):c.1738G>A (p.Gly580Arg)

Gene: ALPK3 (alpha kinase 3; plus strand). Cytogenetic location: 15q25.3.
Variant type: single nucleotide variant.
Coding change: c.1738G>A on transcript NM_020778.5 (MANE Select); coding-DNA position 1738, G replaced by A.
Protein change: p.Gly580Arg; replaces glycine 580 with arginine.
Molecular consequence: missense variant.
Genome position (GRCh38, 1-based): chr15:84,856,476, G>A. VCF-style: chr15-84856476-G-A. GRCh37 (hg19) VCF-style: chr15-85399707-G-A.
Other names: short protein forms G580R.
Identifiers: ClinVar variation 1186175 (VCV001186175.13), dbSNP rs143892088, ClinGen allele CA7709283.

ClinVar aggregate classification (germline): Conflicting classifications of pathogenicity. Review status: criteria provided, conflicting classifications (1 of 4 stars). 4 submissions from 4 submitters: Uncertain significance (3); Likely benign (1). Last evaluated 2026-03-09.

Conditions:
ALPK3-related disorder. Also called: ALPK3-related condition.
Cardiovascular phenotype. Identifiers: MedGen CN230736.

Allele frequency attached by ClinVar (database versions not stated): gnomAD exomes 0.00004 and 0.00008; ExAC 0.00011; gnomAD 0.00027 and 0.00028; TOPMed 0.00030; ESP Exome Variant Server 0.00031; 1000 Genomes Project 0.00040; 1000 Genomes Project 30x 0.00047.

Submissions (4):

PreventionGenetics, part of Exact Sciences
Classification: Uncertain significance for ALPK3-related condition. Last evaluated: 2026-03-09. Review status: criteria provided, single submitter. Criteria: ACMG Guidelines, 2015. Collection method: clinical testing. Allele origin: germline.
Comment: The ALPK3 c.2344G>A variant is predicted to result in the amino acid substitution p.Gly782Arg. To our knowledge, this variant has not been reported in the literature. This variant is reported in 0.076% of alleles in individuals of African descent in gnomAD, which may be too common to be a primary cause of disease. Although we suspect that this variant may be benign, at this time, the clinical significance of this variant is uncertain due to the absence of conclusive functional and genetic evidence.

Labcorp Genetics (formerly Invitae), Labcorp
Classification: Uncertain significance. Last evaluated: 2026-02-03. Review status: criteria provided, single submitter. Criteria: Invitae Variant Classification Sherloc (09022015). Collection method: clinical testing. Allele origin: germline.
Comment: This sequence change replaces glycine, which is neutral and non-polar, with arginine, which is basic and polar, at codon 782 of the ALPK3 protein (p.Gly782Arg). This variant is present in population databases (rs143892088, gnomAD 0.07%). This variant has not been reported in the literature in individuals affected with ALPK3-related conditions. ClinVar contains an entry for this variant (Variation ID: 1186175). Invitae Evidence Modeling of protein sequence and biophysical properties (such as structural, functional, and spatial information, amino acid conservation, physicochemical variation, residue mobility, and thermodynamic stability) indicates that this missense variant is not expected to disrupt ALPK3 protein function with a negative predictive value of 80%. In summary, the available evidence is currently insufficient to determine the role of this variant in disease. Therefore, it has been classified as a Variant of Uncertain Significance.

GeneDx
Classification: Uncertain significance. Last evaluated: 2024-08-19. Review status: criteria provided, single submitter. Criteria: GeneDx Variant Classification Process June 2021. Collection method: clinical testing. Allele origin: germline. Affected: yes.
Comment: Has not been previously published as pathogenic or benign to our knowledge; In silico analysis indicates that this missense variant does not alter protein structure/function

Ambry Genetics
Classification: Likely benign for Cardiovascular phenotype. Last evaluated: 2019-09-20. Review status: criteria provided, single submitter. Criteria: Ambry Variant Classification Scheme 2023. Collection method: clinical testing. Allele origin: germline.